The following is an entry in ClinVar:

NM_001105206.3(LAMA4):c.815-2A>G

Gene: LAMA4 (laminin subunit alpha 4; minus strand). Cytogenetic location: 6q21.
Variant type: single nucleotide variant.
Coding change: c.815-2A>G on transcript NM_001105206.3 (MANE Select); the canonical splice acceptor site of the intron before coding-DNA position 815, A replaced by G.
Molecular consequence: splice acceptor variant.
Genome position (GRCh38, 1-based): chr6:112,187,603, T>C on the plus strand (A>G on the coding strand, the complement: LAMA4 is on the minus strand). VCF-style: chr6-112187603-T-C. GRCh37 (hg19) VCF-style: chr6-112508805-T-C.
Other names: c.794-2A>G (NM_002290.5, NM_001105207.3, NM_002290.3).
Identifiers: ClinVar variation 1677667 (VCV001677667.2), dbSNP rs782687805, ClinGen allele CA365376378.

ClinVar aggregate classification (germline): Uncertain significance. Review status: criteria provided, multiple submitters, no conflicts (2 of 4 stars). 2 submissions from 2 submitters: Uncertain significance (2). Last evaluated 2024-12-20.

Conditions:
Cardiovascular phenotype. Identifiers: MedGen CN230736.

Allele frequency attached by ClinVar (database versions not stated): TOPMed 0.00001.
gnomAD v4.1: 3 of 1,613,566 alleles (0.00019%); highest among the groups gnomAD compares: African/African-American, 0.004%; no homozygotes.

Submissions (2):

Ambry Genetics
Classification: Uncertain significance for Cardiovascular phenotype. Last evaluated: 2024-12-20. Review status: criteria provided, single submitter. Criteria: Ambry Variant Classification Scheme 2023. Collection method: clinical testing. Allele origin: germline.
Comment: The c.794-2A>G intronic variant results from an A to G substitution two nucleotides before coding exon 7 in the LAMA4 gene. This nucleotide position is highly conserved in available vertebrate species. In silico splice site analysis predicts that this alteration will weaken the native splice acceptor site. Alterations that disrupt the canonical splice site are expected to cause aberrant splicing, resulting in an abnormal protein or a transcript that is subject to nonsense-mediated mRNA decay. However, loss of function of LAMA4 has not been established as a mechanism of disease. The evidence for this gene-disease relationship is limited; therefore, the clinical significance of this alteration is unclear.

AiLife Diagnostics
Classification: Uncertain significance. Last evaluated: 2021-11-30. Review status: criteria provided, single submitter. Criteria: ACMG Guidelines, 2015. Collection method: clinical testing. Allele origin: germline. Affected: yes. Observed: 1 variant allele.